The following is an entry in ClinVar:

ClinVar aggregate classification (germline): Pathogenic (1 of 4 stars; one submission).

Submission:

ISCA Site 6
Classification: Pathogenic. Last evaluated: 2011-08-12. Review status: criteria provided, single submitter. Criteria: Kaminsky et al. (Genet Med. 2011). Collection method: clinical testing. Allele origin: unknown. Affected: yes. Observed: 1 variant allele.
Comment: Copy number variation identified through the course of routine clinical cytogenomic testing in postnatal populations. Clinical assertions have been curated as described in Kaminsky et al. 2011.

GRCh38/hg38 22q11.21(chr22:18339130-21107522)x1

Genes: AIFM3 (AIF family member 3; plus strand), ARVCF (ARVCF delta catenin family member; minus strand), C22orf39 (chromosome 22 open reading frame 39; minus strand), CCDC188 (coiled-coil domain containing 188; minus strand), CDC45 (cell division cycle 45; plus strand) and 185 more. Cytogenetic location: 22q11.21.
Variant type: copy number loss.
Change: copy number 1 (one copy instead of two) of chr22:18,339,130-21,107,522 (2.77 Mb, GRCh38 coordinates, 1-based), cytogenetic band 22q11.21.
Identifiers: ClinVar variation 59227 (VCV000059227.2).